The following is an entry in ClinVar:

ClinVar aggregate classification (germline): Benign. Review status: criteria provided, multiple submitters, no conflicts (2 of 4 stars). 5 submissions from 5 submitters: Benign (4). 1 of the submissions does not count toward it. Last evaluated 2026-01-19.

Conditions:
COL12A1-related disorder. Also called: COL12A1-related condition.
Ullrich congenital muscular dystrophy 2 (UCMD2). Identifiers: Orphanet 75840, MedGen C4225314, MONDO:0014654, OMIM 616470.
Bethlem myopathy 2 (BTHLM2). Identifiers: Orphanet 536516, Orphanet 610, MedGen C4225313, MONDO:0034022, OMIM 616471.

Allele frequency attached by ClinVar (database versions not stated): gnomAD 0.00027 and 0.00049; gnomAD exomes 0.00036 and 0.00099; TOPMed 0.00046; ExAC 0.00097; 1000 Genomes Project 0.00280; 1000 Genomes Project 30x 0.00312.
gnomAD v4.1: 632 of 1,613,376 alleles (0.039%); highest among the groups gnomAD compares: East Asian, 1.1%; 7 homozygotes.

Submissions (5):

Labcorp Genetics (formerly Invitae), Labcorp
Classification: Benign for Bethlem myopathy 2; Ullrich congenital muscular dystrophy 2. Last evaluated: 2026-01-19. Review status: criteria provided, single submitter. Criteria: Invitae Variant Classification Sherloc (09022015). Collection method: clinical testing. Allele origin: germline.

Mayo Clinic Laboratories, Mayo Clinic
Classification: Benign. Last evaluated: 2025-04-22. Review status: criteria provided, single submitter. Criteria: ACMG Guidelines, 2015. Collection method: clinical testing. Allele origin: germline. Observed: 3 variant alleles.
Comment: BS1, BS2, BP4, BP7

CeGaT Center for Human Genetics Tuebingen
Classification: Benign. Last evaluated: 2022-12-01. Review status: criteria provided, single submitter. Criteria: CeGaT Center For Human Genetics Tuebingen Variant Classification Criteria Version 2. Collection method: clinical testing. Allele origin: germline. Affected: yes. Observed: 1 variant allele.
Comment: COL12A1: BP4, BP7, BS1, BS2

GeneDx
Classification: Benign. Last evaluated: 2019-04-15. Review status: criteria provided, single submitter. Criteria: GeneDx Variant Classification Process June 2021. Collection method: clinical testing. Allele origin: germline. Affected: yes.

PreventionGenetics, part of Exact Sciences
Classification: Benign for COL12A1-related condition. Last evaluated: 2019-03-20. Review status: no assertion criteria provided. Collection method: clinical testing. Allele origin: germline. Not counted in ClinVar's aggregate classification.
Comment: This variant is classified as benign based on ACMG/AMP sequence variant interpretation guidelines (Richards et al. 2015 PMID: 25741868, with internal and published modifications).

NM_004370.6(COL12A1):c.8925A>G (p.Gly2975=)

Gene: COL12A1 (collagen type XII alpha 1 chain; minus strand). Cytogenetic location: 6q13.
Variant type: single nucleotide variant.
Coding change: c.8925A>G on transcript NM_004370.6 (MANE Select); coding-DNA position 8925, A replaced by G.
Protein change: p.Gly2975=; no amino-acid change (glycine 2975 retained).
Molecular consequence: synonymous variant.
Genome position (GRCh38, 1-based): chr6:75,090,126, T>C on the plus strand (A>G on the coding strand, the complement: COL12A1 is on the minus strand). VCF-style: chr6-75090126-T-C. GRCh37 (hg19) VCF-style: chr6-75799842-T-C.
Other names: p.Gly2975=; c.5433A>G, p.Gly1811= (NM_080645.3).
Identifiers: ClinVar variation 542519 (VCV000542519.40), dbSNP rs190820180, ClinGen allele CA3892084.
Genomic context (GRCh38, chr6:75,090,126, plus strand): 5'-CAAATTCCTTCCTTTATCCCAATACAGAAGCCAGAAATGCCTACCTCGTTCCCCAGGGGG[T>C]CCCTGCATCCCTGGTGTGCCCGGGAAGCCTGGCCGCCCCCCAGGCCCAGGTTCTCCTCTG-3'
Protein context (NP_004361.3, residues 2965-2985): PGFPGTPGMQ[Gly2975=]PPGERGLPGE